The following is an entry in ClinVar:

NM_032119.4(ADGRV1):c.2160A>G (p.Gln720=)

Gene: ADGRV1 (adhesion G protein-coupled receptor V1; plus strand). Cytogenetic location: 5q14.3.
Variant type: single nucleotide variant.
Coding change: c.2160A>G on transcript NM_032119.4 (MANE Select); coding-DNA position 2160, A replaced by G.
Protein change: p.Gln720=; no amino-acid change (glutamine 720 retained).
Molecular consequence: synonymous variant. On other transcripts: non-coding transcript variant (1).
Genome position (GRCh38, 1-based): chr5:90,637,868, A>G. VCF-style: chr5-90637868-A-G. GRCh37 (hg19) VCF-style: chr5-89933685-A-G.
Identifiers: ClinVar variation 1017619 (VCV001017619.8), dbSNP rs1473468579, ClinGen allele CA445405778.

ClinVar aggregate classification (germline): Uncertain significance (1 of 4 stars; one submission).

Allele frequency attached by ClinVar (database versions not stated): TOPMed below 0.00001; gnomAD 0.00001.
gnomAD v4.1: 2 of 1,613,616 alleles (0.00012%); highest among the groups gnomAD compares: African/African-American, 0.0013%; no homozygotes.

Submission:

Labcorp Genetics (formerly Invitae), Labcorp
Classification: Uncertain significance. Last evaluated: 2022-03-03. Review status: criteria provided, single submitter. Criteria: Invitae Variant Classification Sherloc (09022015). Collection method: clinical testing. Allele origin: germline.
Comment: This variant is not present in population databases (gnomAD no frequency). In summary, the available evidence is currently insufficient to determine the role of this variant in disease. Therefore, it has been classified as a Variant of Uncertain Significance. Algorithms developed to predict the effect of sequence changes on RNA splicing suggest that this variant may create or strengthen a splice site. ClinVar contains an entry for this variant (Variation ID: 1017619). This variant has not been reported in the literature in individuals affected with ADGRV1-related conditions. This sequence change affects codon 720 of the ADGRV1 mRNA. It is a 'silent' change, meaning that it does not change the encoded amino acid sequence of the ADGRV1 protein.